The following is an entry in ClinVar:

NM_012469.4(PRPF6):c.1194G>T (p.Glu398Asp)

Gene: PRPF6 (pre-mRNA processing factor 6; plus strand). Cytogenetic location: 20q13.33.
Variant type: single nucleotide variant.
Coding change: c.1194G>T on transcript NM_012469.4 (MANE Select); coding-DNA position 1194, G replaced by T.
Protein change: p.Glu398Asp; replaces glutamic acid 398 with aspartic acid.
Molecular consequence: missense variant.
Genome position (GRCh38, 1-based): chr20:64,010,207, G>T. VCF-style: chr20-64010207-G-T. GRCh37 (hg19) VCF-style: chr20-62641560-G-T.
Other names: short protein forms E398D.
Identifiers: ClinVar variation 4764855 (VCV004764855.1).
Genomic context (GRCh38, chr20:64,010,207, plus strand): 5'-TCCTGTTTTTATCTCCTTTTCTGTGACGTGGTTTCTCGTTTGACCTTTCCTAGCCCTCGA[G>T]CATGTTCCAAACTCGGTTCGCTTGTGGAAAGCAGCCGTTGAGCTGGAAGAACCTGAAGAT-3'
Protein context (NP_036601.2, residues 388-408): AKKRVLRKAL[Glu398Asp]HVPNSVRLWK

ClinVar aggregate classification (germline): Uncertain significance (1 of 4 stars; one submission).

gnomAD v4.1: 3 of 1,614,034 alleles (0.00019%); highest among the groups gnomAD compares: East Asian, 0.0045%; no homozygotes.

Submission:

Labcorp Genetics (formerly Invitae), Labcorp
Classification: Uncertain significance. Last evaluated: 2025-10-17. Review status: criteria provided, single submitter. Criteria: Invitae Variant Classification Sherloc (09022015). Collection method: clinical testing. Allele origin: germline.
Comment: This sequence change replaces glutamic acid, which is acidic and polar, with aspartic acid, which is acidic and polar, at codon 398 of the PRPF6 protein (p.Glu398Asp). This variant is present in population databases (rs779880816, gnomAD 0.02%). This variant has not been reported in the literature in individuals affected with PRPF6-related conditions. Invitae Evidence Modeling of protein sequence and biophysical properties (such as structural, functional, and spatial information, amino acid conservation, physicochemical variation, residue mobility, and thermodynamic stability) indicates that this missense variant is not expected to disrupt PRPF6 protein function with a negative predictive value of 80%. In summary, the available evidence is currently insufficient to determine the role of this variant in disease. Therefore, it has been classified as a Variant of Uncertain Significance.